The following is an entry in ClinVar:

NM_001849.4(COL6A2):c.333G>A (p.Pro111=)

Gene: COL6A2 (collagen type VI alpha 2 chain; plus strand). Cytogenetic location: 21q22.3.
Variant type: single nucleotide variant.
Coding change: c.333G>A on transcript NM_001849.4 (MANE Select); coding-DNA position 333, G replaced by A.
Protein change: p.Pro111=; no amino-acid change (proline 111 retained).
Molecular consequence: synonymous variant.
Genome position (GRCh38, 1-based): chr21:46,112,196, G>A. VCF-style: chr21-46112196-G-A. GRCh37 (hg19) VCF-style: chr21-47532110-G-A.
Other names: c.333G>A, p.Pro111= (NM_058174.3, NM_058175.3).
Identifiers: ClinVar variation 476485 (VCV000476485.25), dbSNP rs370531466, ClinGen allele CA10071264.

ClinVar aggregate classification (germline): Likely benign. Review status: criteria provided, multiple submitters, no conflicts (2 of 4 stars). 3 submissions from 3 submitters: Likely benign (3). Last evaluated 2025-03-28.

Conditions:
Bethlem myopathy 1A. Also called: MYOPATHY, BENIGN CONGENITAL, WITH CONTRACTURES; Bethlem myopathy 1; Bethlem Muscular Dystrophy. Identifiers: Orphanet 610, MedGen CN029274, MONDO:0024530, OMIM 158810.

Allele frequency attached by ClinVar (database versions not stated): ExAC 0.00001; gnomAD 0.00002 and 0.00003; gnomAD exomes 0.00002 and 0.00003; TOPMed 0.00002; ESP Exome Variant Server 0.00008.
gnomAD v4.1: 37 of 1,612,800 alleles (0.0023%); highest among the groups gnomAD compares: Admixed American, 0.0067%; no homozygotes.

Submissions (3):

Labcorp Genetics (formerly Invitae), Labcorp
Classification: Likely benign for Bethlem myopathy 1A. Last evaluated: 2025-03-28. Review status: criteria provided, single submitter. Criteria: Invitae Variant Classification Sherloc (09022015). Collection method: clinical testing. Allele origin: germline.

CeGaT Center for Human Genetics Tuebingen
Classification: Likely benign. Last evaluated: 2024-08-01. Review status: criteria provided, single submitter. Criteria: CeGaT Center For Human Genetics Tuebingen Variant Classification Criteria Version 2. Collection method: clinical testing. Allele origin: germline. Affected: yes. Observed: 1 variant allele.
Comment: COL6A2: BP4, BP7

GeneDx
Classification: Likely benign. Last evaluated: 2018-01-03. Review status: criteria provided, single submitter. Criteria: GeneDx Variant Classification (06012015). Collection method: clinical testing. Allele origin: germline. Affected: yes.
Comment: This variant is considered likely benign or benign based on one or more of the following criteria: it is a conservative change, it occurs at a poorly conserved position in the protein, it is predicted to be benign by multiple in silico algorithms, and/or has population frequency not consistent with disease.